The following is an entry in ClinVar:

NM_000455.5(STK11):c.283G>A (p.Val95Met)

Gene: STK11 (serine/threonine kinase 11; plus strand). Cytogenetic location: 19p13.3.
Variant type: single nucleotide variant.
Coding change: c.283G>A on transcript NM_000455.5 (MANE Select); coding-DNA position 283, G replaced by A.
Protein change: p.Val95Met; replaces valine 95 with methionine.
Molecular consequence: missense variant.
Genome position (GRCh38, 1-based): chr19:1,207,196, G>A. VCF-style: chr19-1207196-G-A. GRCh37 (hg19) VCF-style: chr19-1207195-G-A.
Other names: short protein forms V95M.
Identifiers: ClinVar variation 947967 (VCV000947967.13), dbSNP rs1333336656, ClinGen allele CA089311.

ClinVar aggregate classification (germline): Uncertain significance. Review status: criteria provided, multiple submitters, no conflicts (2 of 4 stars). 2 submissions from 2 submitters: Uncertain significance (2). Last evaluated 2024-03-29.

Conditions:
Peutz-Jeghers syndrome (PJS). Also called: Peutz-Jeghers polyposis; Periorificial lentiginosis syndrome; POLYPOSIS, HAMARTOMATOUS INTESTINAL; POLYPS-AND-SPOTS SYNDROME. Identifiers: Orphanet 2869, MedGen C0031269, MeSH D010580, MONDO:0008280, OMIM 175200.
Hereditary cancer-predisposing syndrome. Also called: Neoplastic Syndromes, Hereditary; Hereditary neoplastic syndrome; Hereditary Cancer Syndrome; Tumor predisposition. Identifiers: Orphanet 140162, MedGen C0027672, MeSH D009386, MONDO:0015356.

Submissions (2):

Ambry Genetics
Classification: Uncertain significance for Hereditary cancer-predisposing syndrome. Last evaluated: 2024-03-29. Review status: criteria provided, single submitter. Criteria: Ambry Variant Classification Scheme 2023. Collection method: clinical testing. Allele origin: germline.
Comment: The p.V95M variant (also known as c.283G>A), located in coding exon 1 of the STK11 gene, results from a G to A substitution at nucleotide position 283. The valine at codon 95 is replaced by methionine, an amino acid with highly similar properties. This amino acid position is highly conserved in available vertebrate species. In addition, the in silico prediction for this alteration is inconclusive. Based on the available evidence, the clinical significance of this alteration remains unclear.

Labcorp Genetics (formerly Invitae), Labcorp
Classification: Uncertain significance for Peutz-Jeghers syndrome. Last evaluated: 2019-06-15. Review status: criteria provided, single submitter. Criteria: Invitae Variant Classification Sherloc (09022015). Collection method: clinical testing. Allele origin: germline.
Comment: In summary, the available evidence is currently insufficient to determine the role of this variant in disease. Therefore, it has been classified as a Variant of Uncertain Significance. Algorithms developed to predict the effect of missense changes on protein structure and function are either unavailable or do not agree on the potential impact of this missense change (SIFT: "Deleterious"; PolyPhen-2: "Probably Damaging"; Align-GVGD: "Class C0"). This variant has not been reported in the literature in individuals with STK11-related conditions. This variant is not present in population databases (ExAC no frequency). This sequence change replaces valine with methionine at codon 95 of the STK11 protein (p.Val95Met). The valine residue is highly conserved and there is a small physicochemical difference between valine and methionine.